The following is an entry in ClinVar:

ClinVar aggregate classification (germline): Conflicting classifications of pathogenicity. Review status: criteria provided, conflicting classifications (1 of 4 stars). 9 submissions from 9 submitters: Uncertain significance (4); Likely benign (4). 1 of the submissions does not count toward it. Last evaluated 2025-07-29.

Conditions:
Hereditary breast ovarian cancer syndrome. Also called: Hereditary breast and ovarian cancer syndrome; Hereditary breast and ovarian cancer; Hereditary breast and ovarian cancer syndrome (HBOC); Breast and ovarian cancer; Hereditary breast and/or ovarian cancer syndrome; BRCA1- and BRCA2-Associated Hereditary Breast and Ovarian Cancer. Identifiers: Orphanet 145, MedGen C0677776, MeSH D061325, MONDO:0003582. Disease mechanism: loss of function.
Hereditary cancer-predisposing syndrome. Also called: Neoplastic Syndromes, Hereditary; Tumor predisposition; Hereditary Cancer Syndrome; Hereditary neoplastic syndrome. Identifiers: Orphanet 140162, MedGen C0027672, MeSH D009386, MONDO:0015356.
Breast-ovarian cancer, familial, susceptibility to, 2 (BROVCA2). Also called: BRCA2 Hereditary Breast and Ovarian Cancer. Identifiers: Orphanet 145, MedGen C2675520, MONDO:0012933, OMIM 612555. Disease mechanism: loss of function.
BRCA2-related cancer predisposition. Identifiers: MedGen CN377758, MONDO:0700269.
Low grade glioma. Identifiers: MedGen C1997217, MONDO:0021637.

Allele frequency attached by ClinVar (database versions not stated): gnomAD exomes below 0.00001 and 0.00001; ExAC 0.00001.
gnomAD v4.1: 4 of 1,614,126 alleles (0.00025%); highest among the groups gnomAD compares: Non-Finnish European, 0.00034%; no homozygotes.

Submissions (9):

Color Diagnostics, LLC DBA Color Health
Classification: Likely benign for Hereditary cancer-predisposing syndrome. Last evaluated: 2025-07-29. Review status: criteria provided, single submitter. Criteria: ACMG Guidelines, 2015. Collection method: clinical testing. Allele origin: germline.

GeneDx
Classification: Uncertain significance. Last evaluated: 2025-07-08. Review status: criteria provided, single submitter. Criteria: GeneDx Variant Classification Process June 2021. Collection method: clinical testing. Allele origin: germline. Affected: yes.
Comment: In silico analysis suggests that this missense variant does not alter protein structure/function; Not observed at significant frequency in large population cohorts (gnomAD); Also known as 3727A>G; This variant is associated with the following publications: (PMID: 23096105, 20589654, 32438681, 33471991, 37922907)

Women's Health and Genetics/Laboratory Corporation of America, LabCorp
Classification: Uncertain significance. Last evaluated: 2025-05-30. Review status: criteria provided, single submitter. Criteria: LabCorp Variant Classification Summary - May 2015. Collection method: clinical testing. Allele origin: germline.
Comment: Variant summary: BRCA2 c.3499A>G (p.Ile1167Val) results in a conservative amino acid change in the encoded protein sequence. Algorithms developed to predict the effect of missense changes on protein structure and function all suggest that this variant is likely to be tolerated. The variant allele was found at a frequency of 4e-06 in 250874 control chromosomes. The available data on variant occurrences in the general population are insufficient to allow any conclusion about variant significance. c.3499A>G has been observed in individual(s) affected with Hereditary Breast And Ovarian Cancer Syndrome (examples: Santonocito_2020, Vietri_2012). These report(s) do not provide unequivocal conclusions about association of the variant with Hereditary Breast And Ovarian Cancer Syndrome. Co-occurrences with other pathogenic variant(s) have been reported (Vietri_2012), providing supporting evidence for a benign role. To our knowledge, no experimental evidence demonstrating an impact on protein function has been reported. The following publications have been ascertained in the context of this evaluation (PMID: 32438681, 23096105). ClinVar contains an entry for this variant (Variation ID: 51476). Based on the evidence outlined above, the variant was classified as uncertain significance.

Labcorp Genetics (formerly Invitae), Labcorp
Classification: Likely benign for Hereditary breast ovarian cancer syndrome. Last evaluated: 2025-05-08. Review status: criteria provided, single submitter. Criteria: Invitae Variant Classification Sherloc (09022015). Collection method: clinical testing. Allele origin: germline.

Ambry Genetics
Classification: Likely benign for Hereditary cancer-predisposing syndrome. Last evaluated: 2024-03-21. Review status: criteria provided, single submitter. Criteria: Ambry Variant Classification Scheme 2023. Collection method: clinical testing. Allele origin: germline.

Department of Pathology and Laboratory Medicine, Sinai Health System
Classification: Uncertain significance for BRCA2-related cancer predisposition. Last evaluated: 2023-09-20. Review status: criteria provided, single submitter. Criteria: ACMG Guidelines, 2015. Collection method: clinical testing. Allele origin: germline. Affected: yes.

University of Washington Department of Laboratory Medicine, University of Washington
Classification: Likely benign for Hereditary cancer-predisposing syndrome. Last evaluated: 2023-03-23. Review status: criteria provided, single submitter. Criteria: Dines et al. (Genet Med. 2020). Collection method: curation. Allele origin: germline.
Comment: Missense variant in a coldspot region where missense variants are very unlikely to be pathogenic (PMID:31911673).

BRCA2 exon 11 coldspot. Reclassification based on statistical prior probability.

Laboratory of Medical Genetics Unit, Bambino Gesù Children's Hospital
Classification: Uncertain significance for Low grade glioma. Review status: criteria provided, single submitter. Criteria: ACMG Guidelines, 2015. Collection method: research. Allele origin: germline. Affected: yes.
Comment: The variant NM_000059.4 (BRCA2): c.3499A>G (p.Ile1167Val) is rare in GnomAD and it is reported in literature. It is annotated on Clinvar as vus/likely benign associated with Hereditary Cancer-predisposing Syndrome [RCV001020449] and Hereditary Breast Ovarian Cancer Syndrome [RCV001423831]. It is classified as VUS variant following the ACMG criteria (PM2 and BP6).

Breast Cancer Information Core (BIC) (BRCA2)
Classification: Uncertain significance for Breast-ovarian cancer, familial 2. Last evaluated: 2009-06-25. Review status: no assertion criteria provided. Collection method: clinical testing. Allele origin: germline. Affected: yes. Observed: 1 variant allele. Not counted in ClinVar's aggregate classification.

Literature cited by the submitters: PubMed 23096105 (cited by Women's Health and Genetics/Laboratory Corporation of America, LabCorp and Ambry Genetics); PubMed 32438681 (cited by 3 submitters); PubMed 20589654 (cited by Ambry Genetics); PubMed 33471991 (cited by Department of Pathology and Laboratory Medicine, Sinai Health System).

NM_000059.4(BRCA2):c.3499A>G (p.Ile1167Val)

Gene: BRCA2 (BRCA2 DNA repair associated; plus strand). Cytogenetic location: 13q13.1.
Variant type: single nucleotide variant.
Coding change: c.3499A>G on transcript NM_000059.4 (MANE Select); coding-DNA position 3499, A replaced by G.
Protein change: p.Ile1167Val; replaces isoleucine 1167 with valine.
Molecular consequence: missense variant.
Genome position (GRCh38, 1-based): chr13:32,337,854, A>G. VCF-style: chr13-32337854-A-G. GRCh37 (hg19) VCF-style: chr13-32911991-A-G.
Other names: p.I1167V:ATA>GTA; short protein forms I1167V.
Identifiers: ClinVar variation 51476 (VCV000051476.23), dbSNP rs276174834, ClinGen allele CA018187.